The following is an entry in ClinVar:

NM_006978.3(RNF113A):c.740A>G (p.Glu247Gly)

Gene: RNF113A (ring finger protein 113A; minus strand). Cytogenetic location: Xq24.
Variant type: single nucleotide variant.
Coding change: c.740A>G on transcript NM_006978.3 (MANE Select); coding-DNA position 740, A replaced by G.
Protein change: p.Glu247Gly; replaces glutamic acid 247 with glycine.
Molecular consequence: missense variant.
Genome position (GRCh38, 1-based): chrX:119,870,874, T>C on the plus strand (A>G on the coding strand, the complement: RNF113A is on the minus strand). VCF-style: chrX-119870874-T-C. GRCh37 (hg19) VCF-style: chrX-119004837-T-C.
Other names: short protein forms E247G.
Identifiers: ClinVar variation 1910706 (VCV001910706.5), dbSNP rs371583264, ClinGen allele CA334109968.
Genomic context (GRCh38, chrX:119,870,874, plus strand): 5'-TGGCGACAGATGAAACACTTGAATGGTATTTCCTCATCATCGCTTCCCACTTCATAGTTT[T>C]CATCCTCATAGACACCATAGCGACCCTCATCAAGCTCACGTTCGATCTGCCACCCATGCT-3'
Protein context (NP_008909.1, residues 237-257): DEGRYGVYED[Glu247Gly]NYEVGSDDEE

ClinVar aggregate classification (germline): Uncertain significance (1 of 4 stars; one submission).

Submission:

Labcorp Genetics (formerly Invitae), Labcorp
Classification: Uncertain significance. Last evaluated: 2022-08-23. Review status: criteria provided, single submitter. Criteria: Invitae Variant Classification Sherloc (09022015). Collection method: clinical testing. Allele origin: germline.
Comment: In summary, the available evidence is currently insufficient to determine the role of this variant in disease. Therefore, it has been classified as a Variant of Uncertain Significance. Algorithms developed to predict the effect of missense changes on protein structure and function (SIFT, PolyPhen-2, Align-GVGD) all suggest that this variant is likely to be tolerated. This variant has not been reported in the literature in individuals affected with RNF113A-related conditions. This variant is not present in population databases (gnomAD no frequency). This sequence change replaces glutamic acid, which is acidic and polar, with glycine, which is neutral and non-polar, at codon 247 of the RNF113A protein (p.Glu247Gly).